The following is an entry in ClinVar:

ClinVar aggregate classification (germline): Uncertain significance (1 of 4 stars; one submission).

gnomAD v4.1: 9 of 1,613,464 alleles (0.00056%); highest among the groups gnomAD compares: Non-Finnish European, 0.00042%; no homozygotes.

Submission:

Labcorp Genetics (formerly Invitae), Labcorp
Classification: Uncertain significance. Last evaluated: 2024-04-09. Review status: criteria provided, single submitter. Criteria: Invitae Variant Classification Sherloc (09022015). Collection method: clinical testing. Allele origin: germline.
Comment: This sequence change replaces glutamine, which is neutral and polar, with histidine, which is basic and polar, at codon 332 of the NUP62 protein (p.Gln332His). This variant is not present in population databases (gnomAD no frequency). This variant has not been reported in the literature in individuals affected with NUP62-related conditions. An algorithm developed to predict the effect of missense changes on protein structure and function (PolyPhen-2) suggests that this variant is likely to be tolerated. In summary, the available evidence is currently insufficient to determine the role of this variant in disease. Therefore, it has been classified as a Variant of Uncertain Significance.

NM_016553.5(NUP62):c.996G>C (p.Gln332His)

Genes: IL4I1 (interleukin 4 induced 1; minus strand), NUP62 (nucleoporin 62; minus strand). Cytogenetic location: 19q13.33.
Variant type: single nucleotide variant.
Coding change: c.996G>C on transcript NM_016553.5 (MANE Select); coding-DNA position 996, G replaced by C.
Protein change: p.Gln332His; replaces glutamine 332 with histidine.
Molecular consequence: missense variant. On other transcripts: intron variant (3).
Genome position (GRCh38, 1-based): chr19:49,908,812, C>G on the plus strand (G>C on the coding strand, the complement: NUP62 is on the minus strand). VCF-style: chr19-49908812-C-G. GRCh37 (hg19) VCF-style: chr19-50412069-C-G.
Other names: c.996G>C, p.Gln332His (NM_001193357.2, NM_012346.5, NM_153718.4 and 1 more transcripts); c.-227-4491G>C (NM_001258017.2, NM_172374.3); c.-285-4491G>C (NM_001258018.2); short protein forms Q332H.
Identifiers: ClinVar variation 3609073 (VCV003609073.2).